The following is an entry in ClinVar:

ClinVar aggregate classification (germline): Likely pathogenic (1 of 4 stars; one submission).

Submission:

GeneDx
Classification: Likely pathogenic. Last evaluated: 2018-05-22. Review status: criteria provided, single submitter. Criteria: GeneDx Variant Classification (06012015). Collection method: clinical testing. Allele origin: germline. Affected: yes.
Comment: The c.272dupT variant has not been published as a pathogenic variant, nor has it been reported as a benign variant to our knowledge. The c.272dupT variant is not observed in large population cohorts (Lek et al., 2016). The duplication causes a frameshift starting with codon Methionine 91, changes this amino acid to an Isoleucine residue and creates a premature Stop codon at position 161 of the new reading frame, denoted p.Met91IlefsX161. This pathogenic variant is predicted to cause loss of normal protein function through protein truncation as the last 419 correct amino acids are replaced with 160 incorrect amino acids. Therefore, this variant is likely pathogenic; however, the possibility that it is benign cannot be excluded.

NM_000346.4(SOX9):c.272dup (p.Met91fs)

Genes: SOX9 (SRY-box transcription factor 9; plus strand), LOC108021846 (SOX9 promoter region; plus strand). Cytogenetic location: 17q24.3.
Variant type: Duplication.
Coding change: c.272dup on transcript NM_000346.4 (MANE Select); coding-DNA position 272, one base duplicated (T; older notation c.272dupT).
Protein change: p.Met91fs; shifts the reading frame from methionine 91.
Molecular consequence: frameshift variant.
Genome position (GRCh38, 1-based): chr17:72,121,663, T duplicated. VCF-style (leftmost placement, unchanged base first): chr17-72121662-A-AT. GRCh37 (hg19) VCF-style: chr17-70117803-A-AT.
Other names: c.272dupT (NM_000346.3); short protein forms M91fs.
Identifiers: ClinVar variation 546496 (VCV000546496.2), dbSNP rs1555629028, ClinGen allele CA658824945.